The following is an entry in ClinVar:

NM_024529.5(CDC73):c.689T>A (p.Val230Glu)

Gene: CDC73 (cell division cycle 73; plus strand). Cytogenetic location: 1q31.2.
Variant type: single nucleotide variant.
Coding change: c.689T>A on transcript NM_024529.5 (MANE Select); coding-DNA position 689, T replaced by A.
Protein change: p.Val230Glu; replaces valine 230 with glutamic acid.
Molecular consequence: missense variant.
Genome position (GRCh38, 1-based): chr1:193,142,026, T>A. VCF-style: chr1-193142026-T-A. GRCh37 (hg19) VCF-style: chr1-193111156-T-A.
Other names: short protein forms V230E.
Identifiers: ClinVar variation 576710 (VCV000576710.9), dbSNP rs1558285020, ClinGen allele CA343962770.

ClinVar aggregate classification (germline): Uncertain significance (1 of 4 stars; one submission).

Conditions:
Parathyroid carcinoma (PRTC). Also called: Parathyroid gland carcinoma; CDC73-Related Parathyroid Carcinoma. Identifiers: Orphanet 143, MedGen C0687150, MONDO:0012004, OMIM 608266, HP:0006780.

Submission:

Labcorp Genetics (formerly Invitae), Labcorp
Classification: Uncertain significance for Parathyroid carcinoma. Last evaluated: 2018-04-18. Review status: criteria provided, single submitter. Criteria: Invitae Variant Classification Sherloc (09022015). Collection method: clinical testing. Allele origin: germline.
Comment: In summary, the available evidence is currently insufficient to determine the role of this variant in disease. Therefore, it has been classified as a Variant of Uncertain Significance. Algorithms developed to predict the effect of missense changes on protein structure and function do not agree on the potential impact of this missense change (SIFT: "Deleterious"; PolyPhen-2: "Benign"; Align-GVGD: "Class C0"). This variant has not been reported in the literature in individuals with CDC73-related disease. This variant is not present in population databases (ExAC no frequency). This sequence change replaces valine with glutamic acid at codon 230 of the CDC73 protein (p.Val230Glu). The valine residue is moderately conserved and there is a moderate physicochemical difference between valine and glutamic acid.